The following is an entry in ClinVar:

NM_017617.5(NOTCH1):c.5385-2dup

Gene: NOTCH1 (notch receptor 1; minus strand). Cytogenetic location: 9q34.3.
Variant type: Duplication.
Coding change: c.5385-2dup on transcript NM_017617.5 (MANE Select); the canonical splice acceptor site of the intron before coding-DNA position 5385, one base duplicated (A; older notation c.5385-2dupA).
Molecular consequence: splice acceptor variant.
Genome position (GRCh38, 1-based): chr9:136,502,090, T duplicated on the plus strand (A on the coding strand, the reverse complement: NOTCH1 is on the minus strand). VCF-style (leftmost placement, unchanged base first): chr9-136502089-C-CT. GRCh37 (hg19) VCF-style: chr9-139396541-C-CT.
Identifiers: ClinVar variation 2990958 (VCV002990958.3), dbSNP rs2540430739, ClinGen allele CA2740090828.
Genomic context (GRCh38, chr9:136,502,089, plus strand): 5'-TCCCCCCACTCATTCTGGTTGTCGTCCATGAGGGCACCGTCTGAAGCGTTCTTCAGGGGC[C>CT]TGGGGGGTGAGGGGTCGAGAAGTGAGGCTGAGCGAGCTCCCTAGGAAGCCCCCAGAGACC-3'

ClinVar aggregate classification (germline): Uncertain significance (1 of 4 stars; one submission).

Conditions:
Adams-Oliver syndrome 5 (AOS5). Identifiers: Orphanet 974, MedGen C4014970, MONDO:0014459, OMIM 616028.

Submission:

Labcorp Genetics (formerly Invitae), Labcorp
Classification: Uncertain significance for Adams-Oliver syndrome 5. Last evaluated: 2024-02-24. Review status: criteria provided, single submitter. Criteria: Invitae Variant Classification Sherloc (09022015). Collection method: clinical testing. Allele origin: germline.
Comment: This sequence change falls in intron 28 of the NOTCH1 gene. It does not directly change the encoded amino acid sequence of the NOTCH1 protein. It affects a nucleotide within the consensus splice site. This variant is not present in population databases (gnomAD no frequency). This variant has not been reported in the literature in individuals affected with NOTCH1-related conditions. Variants that disrupt the consensus splice site are a relatively common cause of aberrant splicing (PMID: 17576681, 9536098). In summary, the available evidence is currently insufficient to determine the role of this variant in disease. Therefore, it has been classified as a Variant of Uncertain Significance.

Literature cited by the submitters: PubMed 17576681; PubMed 9536098.